The following is an entry in ClinVar:

ClinVar aggregate classification (germline): Pathogenic (1 of 4 stars; one submission).

Conditions:
Primary ciliary dyskinesia. Also called: Ciliary dyskinesia. Identifiers: Orphanet 244, MedGen C0008780, MONDO:0016575, HP:0012265.

Submission:

Labcorp Genetics (formerly Invitae), Labcorp
Classification: Pathogenic for Primary ciliary dyskinesia. Last evaluated: 2021-05-26. Review status: criteria provided, single submitter. Criteria: Invitae Variant Classification Sherloc (09022015). Collection method: clinical testing. Allele origin: germline.
Comment: For these reasons, this variant has been classified as Pathogenic. This variant has not been reported in the literature in individuals with DNAH8-related conditions. This variant is not present in population databases (ExAC no frequency). This sequence change creates a premature translational stop signal (p.Trp1921*) in the DNAH8 gene. It is expected to result in an absent or disrupted protein product. Loss-of-function variants in DNAH8 are known to be pathogenic (PMID: 24307375, 32619401, 32681648).

Literature cited by the submitters: PubMed 24307375; PubMed 32619401; PubMed 32681648.

NM_001206927.2(DNAH8):c.5762G>A (p.Trp1921Ter)

Gene: DNAH8 (dynein axonemal heavy chain 8; plus strand). Cytogenetic location: 6p21.2.
Variant type: single nucleotide variant.
Coding change: c.5762G>A on transcript NM_001206927.2 (MANE Select); coding-DNA position 5762, G replaced by A.
Protein change: p.Trp1921Ter; replaces tryptophan 1921 with a stop codon.
Molecular consequence: nonsense.
Genome position (GRCh38, 1-based): chr6:38,857,546, G>A. VCF-style: chr6-38857546-G-A. GRCh37 (hg19) VCF-style: chr6-38825322-G-A.
Other names: c.5111G>A, p.Trp1704Ter (NM_001371.4); short protein forms W1704*, W1921*.
Identifiers: ClinVar variation 1453683 (VCV001453683.6), dbSNP rs2150400998, ClinGen allele CA364017900.